The following is an entry in ClinVar:

NM_006514.4(SCN10A):c.1712C>A (p.Pro571Gln)

Gene: SCN10A (sodium voltage-gated channel alpha subunit 10; minus strand). Cytogenetic location: 3p22.2.
Variant type: single nucleotide variant.
Coding change: c.1712C>A on transcript NM_006514.4 (MANE Select); coding-DNA position 1712, C replaced by A.
Protein change: p.Pro571Gln; replaces proline 571 with glutamine.
Molecular consequence: missense variant. On other transcripts: intron variant (1).
Genome position (GRCh38, 1-based): chr3:38,752,262, G>T on the plus strand (C>A on the coding strand, the complement: SCN10A is on the minus strand). VCF-style: chr3-38752262-G-T. GRCh37 (hg19) VCF-style: chr3-38793753-G-T.
Other names: c.1712C>A, p.Pro571Gln (NM_001293306.2); c.1462-2078C>A (NM_001293307.2); short protein forms P571Q.
Identifiers: ClinVar variation 2563698 (VCV002563698.2), dbSNP rs148046286, ClinGen allele CA352167151.
Genomic context (GRCh38, chr3:38,752,262, plus strand): 5'-AGCATTCACAAACTCACCGAGACATCGACAGCTCCAGGGGCAAGCTCACTAGTGGGCGGC[G>T]GTTGGTGTTCATCTTCTCCATGCCTGGAGTCAGGGTTGCTGGGTTGAGGAAGAGGGCTTC-3'
Protein context (NP_006505.4, residues 561-581): DSRHGEDEHQ[Pro571Gln]PPTSELAPGA

ClinVar aggregate classification (germline): Uncertain significance (1 of 4 stars; one submission).

Conditions:
Cardiovascular phenotype. Identifiers: MedGen CN230736.

Submission:

Ambry Genetics
Classification: Uncertain significance for Cardiovascular phenotype. Last evaluated: 2023-03-18. Review status: criteria provided, single submitter. Criteria: Ambry Variant Classification Scheme 2023. Collection method: clinical testing. Allele origin: germline.
Comment: The p.P571Q variant (also known as c.1712C>A), located in coding exon 11 of the SCN10A gene, results from a C to A substitution at nucleotide position 1712. The proline at codon 571 is replaced by glutamine, an amino acid with similar properties. This amino acid position is conserved. In addition, this alteration is predicted to be tolerated by in silico analysis. Since supporting evidence is limited at this time, the clinical significance of this alteration remains unclear.